The following is an entry in ClinVar:

ClinVar aggregate classification (germline): Pathogenic/Likely pathogenic. Review status: criteria provided, multiple submitters, no conflicts (2 of 4 stars). 2 submissions from 2 submitters: Pathogenic (1); Likely pathogenic (1). Last evaluated 2024-10-07.

Conditions:
Hereditary cancer-predisposing syndrome. Also called: Neoplastic Syndromes, Hereditary; Tumor predisposition; Hereditary Cancer Syndrome; Hereditary neoplastic syndrome. Identifiers: Orphanet 140162, MedGen C0027672, MeSH D009386, MONDO:0015356.
BAP1-related tumor predisposition syndrome (TPDS1). Also called: Tumor susceptibility linked to germline BAP1 mutations; BAP1 tumor predisposition syndrome; COMMON Syndrome; TUMOR PREDISPOSITION SYNDROME 1. Identifiers: Orphanet 289539, MedGen C3280492, MONDO:0013692, OMIM 614327.

Submissions (2):

Labcorp Genetics (formerly Invitae), Labcorp
Classification: Pathogenic for BAP1-related tumor predisposition syndrome. Last evaluated: 2024-10-07. Review status: criteria provided, single submitter. Criteria: Invitae Variant Classification Sherloc (09022015). Collection method: clinical testing. Allele origin: germline.
Comment: This sequence change affects an acceptor splice site in intron 1 of the BAP1 gene. It is expected to disrupt RNA splicing. Variants that disrupt the donor or acceptor splice site typically lead to a loss of protein function (PMID: 16199547), and loss-of-function variants in BAP1 are known to be pathogenic (PMID: 21874000, 23684012). This variant is not present in population databases (gnomAD no frequency). Disruption of this splice site has been observed in individuals with BAP1-related cancers (PMID: 30548481, 35032816; internal data). ClinVar contains an entry for this variant (Variation ID: 485304). Algorithms developed to predict the effect of sequence changes on RNA splicing suggest that this variant may disrupt the consensus splice site. For these reasons, this variant has been classified as Pathogenic.

Ambry Genetics
Classification: Likely pathogenic for Hereditary cancer-predisposing syndrome. Last evaluated: 2017-08-15. Review status: criteria provided, single submitter. Criteria: Ambry Variant Classification Scheme 2023. Collection method: clinical testing. Allele origin: germline.
Comment: The c.38-1G>A intronic variant results from a G to A substitution one nucleotide upstream from coding exon 2 of the BAP1 gene. This nucleotide position is highly conserved in available vertebrate species. Using the BDGP and ESEfinder splice site prediction tools, this alteration is predicted to abolish the native splice acceptor site; however, direct evidence is unavailable. Alterations that disrupt the canonical splice site are expected to cause aberrant splicing, resulting in an abnormal protein or a transcript that is subject to nonsense-mediated mRNA decay. As such, this alteration is classified as likely pathogenic.

Literature cited by the submitters: PubMed 16199547 (cited by Labcorp Genetics (formerly Invitae), Labcorp); PubMed 21874000 (cited by Labcorp Genetics (formerly Invitae), Labcorp); PubMed 23684012 (cited by Labcorp Genetics (formerly Invitae), Labcorp); PubMed 30548481 (cited by Labcorp Genetics (formerly Invitae), Labcorp); PubMed 35032816 (cited by Labcorp Genetics (formerly Invitae), Labcorp).

NM_004656.4(BAP1):c.38-1G>A

Gene: BAP1 (BRCA1 associated deubiquitinase 1; minus strand). Cytogenetic location: 3p21.1.
Variant type: single nucleotide variant.
Coding change: c.38-1G>A on transcript NM_004656.4 (MANE Select); the canonical splice acceptor site of the intron before coding-DNA position 38, G replaced by A.
Molecular consequence: splice acceptor variant.
Genome position (GRCh38, 1-based): chr3:52,409,744, C>T on the plus strand (G>A on the coding strand, the complement: BAP1 is on the minus strand). VCF-style: chr3-52409744-C-T. GRCh37 (hg19) VCF-style: chr3-52443760-C-T.
Other names: c.38-1G>A (NM_001410772.1).
Identifiers: ClinVar variation 485304 (VCV000485304.12), dbSNP rs1553646367, ClinGen allele CA353115002.